The following is an entry in ClinVar:

NM_145178.4(ATOH7):c.383A>C (p.Lys128Thr)

Gene: ATOH7 (atonal bHLH transcription factor 7; minus strand). Cytogenetic location: 10q21.3.
Variant type: single nucleotide variant.
Coding change: c.383A>C on transcript NM_145178.4 (MANE Select); coding-DNA position 383, A replaced by C.
Protein change: p.Lys128Thr; replaces lysine 128 with threonine.
Molecular consequence: missense variant.
Genome position (GRCh38, 1-based): chr10:68,231,295, T>G on the plus strand (A>C on the coding strand, the complement: ATOH7 is on the minus strand). VCF-style: chr10-68231295-T-G. GRCh37 (hg19) VCF-style: chr10-69991052-T-G.
Other names: short protein forms K128T.
Identifiers: ClinVar variation 1897005 (VCV001897005.5), dbSNP rs2044024992, ClinGen allele CA376835264.

ClinVar aggregate classification (germline): Uncertain significance (1 of 4 stars; one submission).

Allele frequency attached by ClinVar (database versions not stated): gnomAD exomes below 0.00001.

Submission:

Labcorp Genetics (formerly Invitae), Labcorp
Classification: Uncertain significance. Last evaluated: 2022-06-01. Review status: criteria provided, single submitter. Criteria: Invitae Variant Classification Sherloc (09022015). Collection method: clinical testing. Allele origin: germline.
Comment: In summary, the available evidence is currently insufficient to determine the role of this variant in disease. Therefore, it has been classified as a Variant of Uncertain Significance. Algorithms developed to predict the effect of missense changes on protein structure and function are either unavailable or do not agree on the potential impact of this missense change (SIFT: "Deleterious"; PolyPhen-2: "Benign"; Align-GVGD: "Class C0"). This variant has not been reported in the literature in individuals affected with ATOH7-related conditions. This variant is not present in population databases (gnomAD no frequency). This sequence change replaces lysine, which is basic and polar, with threonine, which is neutral and polar, at codon 128 of the ATOH7 protein (p.Lys128Thr).